The following is an entry in ClinVar:

ClinVar aggregate classification (germline): Uncertain significance (1 of 4 stars; one submission).

Conditions:
Adams-Oliver syndrome 5 (AOS5). Identifiers: Orphanet 974, MedGen C4014970, MONDO:0014459, OMIM 616028.

Submission:

Labcorp Genetics (formerly Invitae), Labcorp
Classification: Uncertain significance for Adams-Oliver syndrome 5. Last evaluated: 2024-11-25. Review status: criteria provided, single submitter. Criteria: Invitae Variant Classification Sherloc (09022015). Collection method: clinical testing. Allele origin: germline.
Comment: This sequence change replaces serine, which is neutral and polar, with threonine, which is neutral and polar, at codon 1541 of the NOTCH1 protein (p.Ser1541Thr). This variant is not present in population databases (gnomAD no frequency). This variant has not been reported in the literature in individuals affected with NOTCH1-related conditions. ClinVar contains an entry for this variant (Variation ID: 2062981). Invitae Evidence Modeling of protein sequence and biophysical properties (such as structural, functional, and spatial information, amino acid conservation, physicochemical variation, residue mobility, and thermodynamic stability) indicates that this missense variant is not expected to disrupt NOTCH1 protein function with a negative predictive value of 80%. In summary, the available evidence is currently insufficient to determine the role of this variant in disease. Therefore, it has been classified as a Variant of Uncertain Significance.

NM_017617.5(NOTCH1):c.4622G>C (p.Ser1541Thr)

Gene: NOTCH1 (notch receptor 1; minus strand). Cytogenetic location: 9q34.3.
Variant type: single nucleotide variant.
Coding change: c.4622G>C on transcript NM_017617.5 (MANE Select); coding-DNA position 4622, G replaced by C.
Protein change: p.Ser1541Thr; replaces serine 1541 with threonine.
Molecular consequence: missense variant.
Genome position (GRCh38, 1-based): chr9:136,505,069, C>G on the plus strand (G>C on the coding strand, the complement: NOTCH1 is on the minus strand). VCF-style: chr9-136505069-C-G. GRCh37 (hg19) VCF-style: chr9-139399521-C-G.
Other names: short protein forms S1541T.
Identifiers: ClinVar variation 2062981 (VCV002062981.4), dbSNP rs2133337721, ClinGen allele CA375645915.
Genomic context (GRCh38, chr9:136,505,069, plus strand): 5'-CAGTCCAGCCCGTCCCACTCGCACTCCGCGCTGTTGCAGCCCTGGTCGCAGTGCCCGTCG[C>G]TGAAGTGGTCCTTGCAGTACTGGTCGTACAGGGGGCTGTGGGGGGCGGGACACGCTCAGG-3'
Protein context (NP_060087.3, residues 1531-1551): LYDQYCKDHF[Ser1541Thr]DGHCDQGCNS